The following is an entry in ClinVar:

NM_001189.4(NKX3-2):c.562G>T (p.Gly188Trp)

Genes: NKX3-2 (NK3 homeobox 2; minus strand), LOC129992265 (ATAC-STARR-seq lymphoblastoid silent region 15286; plus strand). Cytogenetic location: 4p15.33.
Variant type: single nucleotide variant.
Coding change: c.562G>T on transcript NM_001189.4 (MANE Select); coding-DNA position 562, G replaced by T.
Protein change: p.Gly188Trp; replaces glycine 188 with tryptophan.
Molecular consequence: missense variant.
Genome position (GRCh38, 1-based): chr4:13,542,433, C>A on the plus strand (G>T on the coding strand, the complement: NKX3-2 is on the minus strand). VCF-style: chr4-13542433-C-A. GRCh37 (hg19) VCF-style: chr4-13544057-C-A.
Other names: short protein forms G188W.
Identifiers: ClinVar variation 1417447 (VCV001417447.6), dbSNP rs780147897, ClinGen allele CA2860347.
Genomic context (GRCh38, chr4:13,542,433, plus strand): 5'-GCTTCTTGCGTGGCTTGGGCGCCGCCGGCTCCTCCTCCTCCTCCGCGACGCCTGCCGGCC[C>A]GCTGCCGCCCCCGCCGCCGGCCCCGCTGCACAGCGCGGACACGTGTGCACCTCTGGGGCC-3'
Protein context (NP_001180.1, residues 178-198): CSGAGGGGGS[Gly188Trp]PAGVAEEEEE

ClinVar aggregate classification (germline): Uncertain significance (1 of 4 stars; one submission).

Allele frequency attached by ClinVar (database versions not stated): ExAC 0.00005.
gnomAD v4.1: 3 of 1,553,208 alleles (0.00019%); highest among the groups gnomAD compares: Non-Finnish European, 0.00026%; no homozygotes.

Submission:

Labcorp Genetics (formerly Invitae), Labcorp
Classification: Uncertain significance. Last evaluated: 2022-07-19. Review status: criteria provided, single submitter. Criteria: Invitae Variant Classification Sherloc (09022015). Collection method: clinical testing. Allele origin: germline.
Comment: The frequency data for this variant in the population databases is considered unreliable, as metrics indicate poor data quality at this position in the gnomAD database. In summary, the available evidence is currently insufficient to determine the role of this variant in disease. Therefore, it has been classified as a Variant of Uncertain Significance. Algorithms developed to predict the effect of missense changes on protein structure and function are either unavailable or do not agree on the potential impact of this missense change (SIFT: "Deleterious"; PolyPhen-2: "Benign"; Align-GVGD: "Class C0"). ClinVar contains an entry for this variant (Variation ID: 1417447). This variant has not been reported in the literature in individuals affected with NKX3-2-related conditions. This sequence change replaces glycine, which is neutral and non-polar, with tryptophan, which is neutral and slightly polar, at codon 188 of the NKX3-2 protein (p.Gly188Trp).